The following is an entry in ClinVar:

ClinVar aggregate classification (germline): Uncertain significance (1 of 4 stars; one submission).

gnomAD v4.1: 1 of 1,563,628 alleles (0.000064%); highest among the groups gnomAD compares: Non-Finnish European, 0.000087%; no homozygotes.

Submission:

Ambry Genetics
Classification: Uncertain significance. Last evaluated: 2025-06-02. Review status: criteria provided, single submitter. Criteria: Ambry Variant Classification Scheme 2023. Collection method: clinical testing. Allele origin: germline.
Comment: The p.G2037S variant (also known as c.6109G>A), located in coding exon 24 of the WNK2 gene, results from a G to A substitution at nucleotide position 6109. The glycine at codon 2037 is replaced by serine, an amino acid with similar properties. This amino acid position is conserved. In addition, the in silico prediction for this alteration is inconclusive. Based on the available evidence, the clinical significance of this variant remains unclear.

NM_006648.4(WNK2):c.6109G>A (p.Gly2037Ser)

Gene: WNK2 (WNK lysine deficient protein kinase 2; plus strand). Cytogenetic location: 9q22.31.
Variant type: single nucleotide variant.
Coding change: c.6109G>A on transcript NM_006648.4 (MANE Select); coding-DNA position 6109, G replaced by A.
Protein change: p.Gly2037Ser; replaces glycine 2037 with serine.
Molecular consequence: missense variant.
Genome position (GRCh38, 1-based): chr9:93,299,255, G>A. VCF-style: chr9-93299255-G-A. GRCh37 (hg19) VCF-style: chr9-96061537-G-A.
Other names: c.6220G>A, p.Gly2074Ser (NM_001282394.3); short protein forms G2074S, G2037S.
Identifiers: ClinVar variation 3982163 (VCV003982163.1).